The following is an entry in ClinVar:

ClinVar aggregate classification (germline): Uncertain significance (1 of 4 stars; one submission).

gnomAD v4.1: 1 of 1,614,174 alleles (0.000062%); highest among the groups gnomAD compares: Non-Finnish European, 0.000085%; no homozygotes.

Submission:

Labcorp Genetics (formerly Invitae), Labcorp
Classification: Uncertain significance. Last evaluated: 2024-08-05. Review status: criteria provided, single submitter. Criteria: Invitae Variant Classification Sherloc (09022015). Collection method: clinical testing. Allele origin: germline.
Comment: This sequence change replaces glutamic acid, which is acidic and polar, with alanine, which is neutral and non-polar, at codon 1461 of the SZT2 protein (p.Glu1461Ala). This variant is not present in population databases (gnomAD no frequency). This variant has not been reported in the literature in individuals affected with SZT2-related conditions. ClinVar contains an entry for this variant (Variation ID: 1502631). Advanced modeling of protein sequence and biophysical properties (such as structural, functional, and spatial information, amino acid conservation, physicochemical variation, residue mobility, and thermodynamic stability) performed at Invitae indicates that this missense variant is not expected to disrupt SZT2 protein function with a negative predictive value of 80%. In summary, the available evidence is currently insufficient to determine the role of this variant in disease. Therefore, it has been classified as a Variant of Uncertain Significance.

NM_001365999.1(SZT2):c.4553A>C (p.Glu1518Ala)

Gene: SZT2 (SZT2 subunit of KICSTOR complex; plus strand). Cytogenetic location: 1p34.2.
Variant type: single nucleotide variant.
Coding change: c.4553A>C on transcript NM_001365999.1 (MANE Select); coding-DNA position 4553, A replaced by C.
Protein change: p.Glu1518Ala; replaces glutamic acid 1518 with alanine.
Molecular consequence: missense variant.
Genome position (GRCh38, 1-based): chr1:43,430,568, A>C. VCF-style: chr1-43430568-A-C. GRCh37 (hg19) VCF-style: chr1-43896239-A-C.
Other names: c.4382A>C, p.Glu1461Ala (NM_015284.4); short protein forms E1461A, E1518A.
Identifiers: ClinVar variation 1502631 (VCV001502631.8), dbSNP rs2153933857, ClinGen allele CA340021905.
Genomic context (GRCh38, chr1:43,430,568, plus strand): 5'-CCTGCTGTGTGGTCACTGAGAGTGACCCAGAGCTAGAGGTAGAATACCGGGAGAGCCGTG[A>C]ATCAGACCTGGGGCCTGCTGGGCTAGACTCTGCCTCGCTGTCAGACGTAGACACTGTGAA-3'
Protein context (NP_001352928.1, residues 1508-1528): ELEVEYRESR[Glu1518Ala]SDLGPAGLDS